The following is an entry in ClinVar:

ClinVar aggregate classification (germline): Pathogenic. Review status: criteria provided, multiple submitters, no conflicts (2 of 4 stars). 12 submissions from 12 submitters: Pathogenic (10). 2 of the submissions do not count toward it. Last evaluated 2026-04-16.

Conditions:
Metachromatic leukodystrophy (MLD). Also called: ARSA DEFICIENCY; CEREBROSIDE SULFATASE DEFICIENCY; SULFATIDE LIPIDOSIS; Arylsulfatase A Deficiency; Cerebral sclerosis diffuse metachromatic form; METACHROMATIC LEUKOENCEPHALOPATHY. Identifiers: Orphanet 512, MedGen C0023522, MONDO:0018868, OMIM 250100.

Allele frequency attached by ClinVar (database versions not stated): gnomAD 0.00001; TOPMed 0.00006.

Submissions (13):

Dasa
Classification: Pathogenic. Last evaluated: 2026-04-16. Review status: criteria provided, single submitter. Criteria: DASA Assertion Criteria. Collection method: clinical testing. Allele origin: germline.
Comment: NM_000487.6(ARSA):c.769G>C (p.Asp257His) is a missense variant that results in the substitution of aspartic acid with histidine. This variant has been recurrently observed in individuals with ARSA-related disorders (PMID: 8982952; PMID: 10477432; PMID: 12445909). Functional evidence supports an impact on the gene or gene product. Also, this variant is rare in population databases. Computational evidence supports a deleterious effect. Based on the currently available evidence, this variant is classified as pathogenic.

Labcorp Genetics (formerly Invitae), Labcorp
Classification: Pathogenic for Metachromatic leukodystrophy. Last evaluated: 2025-11-24. Review status: criteria provided, single submitter. Criteria: Invitae Variant Classification Sherloc (09022015). Collection method: clinical testing. Allele origin: germline.
Comment: This sequence change replaces aspartic acid, which is acidic and polar, with histidine, which is basic and polar, at codon 257 of the ARSA protein (p.Asp257His). This variant is present in population databases (rs80338819, gnomAD 0.006%). This missense change has been observed in individual(s) with metachromatic leukodystrophy (PMID: 8982952, 10477432, 12445909). ClinVar contains an entry for this variant (Variation ID: 21187). Invitae Evidence Modeling of protein sequence and biophysical properties (such as structural, functional, and spatial information, amino acid conservation, physicochemical variation, residue mobility, and thermodynamic stability) indicates that this missense variant is expected to disrupt ARSA protein function with a positive predictive value of 95%. Experimental studies have shown that this missense change affects ARSA function (PMID: 8982952, 15720392). For these reasons, this variant has been classified as Pathogenic.

Natera, Inc.
Classification: Pathogenic for Metachromatic leukodystrophy. Last evaluated: 2025-04-14. Review status: criteria provided, single submitter. Criteria: Natera Variant Classification Schema (03/2026). Collection method: clinical testing. Allele origin: germline.
Comment: The c.769G>C variant in ARSA is a missense variant predicted to cause substitution of aspartic acid to histidine at amino acid 257. This variant is rare in the general population with a frequency below the threshold expected for the associated phenotype(s). This variant has been observed in one or more individuals affected with the associated recessive disease, as either homozygous or compound heterozygous with a second variant (PMID: 12809638, 10477432, 8982952). Functional studies show that this variant may disrupt protein function (PMID: 8982952). Computational prediction algorithms indicate this variant is likely to affect gene or protein function. Given the available evidence, this variant is classified as Pathogenic.

GeneDx
Classification: Pathogenic. Last evaluated: 2024-03-19. Review status: criteria provided, single submitter. Criteria: GeneDx Variant Classification Process June 2021. Collection method: clinical testing. Allele origin: germline. Affected: yes.
Comment: Published functional studies demonstrate a damaging effect: abnormal folding of protein leading to retention in endoplasmic reticulum (PMID: 15720392); Not observed at significant frequency in large population cohorts (gnomAD); In silico analysis supports that this missense variant has a deleterious effect on protein structure/function; This variant is associated with the following publications: (PMID: 26462614, 20301309, 25965562, 8982952, 16966551, 31589614, 12809638, 10477432, 10751093, 15720392)

Fulgent Genetics
Classification: Pathogenic for Metachromatic leukodystrophy. Last evaluated: 2024-03-11. Review status: criteria provided, single submitter. Criteria: ACMG Guidelines, 2015. Collection method: clinical testing. Allele origin: germline.

Laboratorio de Genetica e Diagnostico Molecular, Hospital Israelita Albert Einstein
Classification: Pathogenic for Metachromatic leukodystrophy. Last evaluated: 2022-11-04. Review status: criteria provided, single submitter. Criteria: ACMG Guidelines, 2015. Collection method: clinical testing. Allele origin: germline. Affected: yes. Observed: 1 variant allele.
Comment: ACMG classification criteria: PS3 supporting, PM2 moderated, PM3 very strong, PP3 supporting

Mayo Clinic Laboratories, Mayo Clinic
Classification: Pathogenic. Last evaluated: 2021-08-25. Review status: criteria provided, single submitter. Criteria: ACMG Guidelines, 2015. Collection method: clinical testing. Allele origin: germline.
Comment: PP3, PP4, PM2, PM3, PS3, PS4_moderate

Women's Health and Genetics/Laboratory Corporation of America, LabCorp
Classification: Pathogenic for Metachromatic leukodystrophy. Last evaluated: 2016-06-25. Review status: criteria provided, single submitter. Criteria: LabCorp Variant Classification Summary - May 2015. Collection method: clinical testing. Allele origin: germline.
Comment: Variant summary: The c.769G>C (p.Asp257His) in ARSA gene is a missense change that involves a highly conserved nucleotide and 5/5 in silico tools predict deleterious outcome. The variant is absent from the control population dataset of ExAC. The variant was identified in multiple affected individuals presented with enzymatically confirmed infantile and juvenile forms of MLD with undetectable levels of arylsulfatase A activity in fibroblasts or severely reduced levels in leucocytes. The variant of interest has been reported as Pathogenic by reputable database/clinical laboratory. Taking together, the variant was classified as Pathogenic.

Eurofins Ntd Llc (ga)
Classification: Pathogenic. Last evaluated: 2015-11-12. Review status: criteria provided, single submitter. Criteria: EGL Classification Definitions 2015. Collection method: clinical testing. Allele origin: germline. Observed: 4 variant alleles, 4 heterozygotes.

Juno Genomics, Hangzhou Juno Genomics, Inc
Classification: Pathogenic for Metachromatic leukodystrophy. Review status: criteria provided, single submitter. Criteria: ACMG Guidelines, 2015. Collection method: clinical testing. Allele origin: germline.
Comment: Absent from controls (or at extremely low frequency if recessive) in Genome Aggregation Database.;Multiple lines of computational evidence support a deleterious effect on the gene or gene product.;For recessive disorders, detected in trans with a pathogenic variant.;Patient's phenotype or family history is highly specific for a disease with a single genetic etiology.

Counsyl
Classification: Likely pathogenic for Metachromatic leukodystrophy. Last evaluated: 2015-07-21. Review status: no assertion criteria provided. Collection method: clinical testing. Allele origin: unknown. Not counted in ClinVar's aggregate classification.

Gelb Laboratory, University of Washington
No classification provided (evidence only). Condition: Metachromatic leukodystrophy. Review status: no classification provided. Collection method: in vitro. Allele origin: not applicable. Functional consequence: loss of function. Not counted in ClinVar's aggregate classification.

GeneReviews
No classification provided. Condition: Metachromatic leukodystrophy. Review status: no classification provided. Collection method: literature only. Allele origin: germline. Not counted in ClinVar's aggregate classification.

Literature cited by the submitters: PubMed 8982952 (cited by 6 submitters); PubMed 10477432 (cited by 7 submitters); PubMed 12445909 (cited by 4 submitters); PubMed 15720392 (cited by 5 submitters); PubMed 12809638 (cited by 3 submitters); PubMed 10751093 (cited by Mayo Clinic Laboratories, Mayo Clinic and Counsyl); PubMed 16966551 (cited by Mayo Clinic Laboratories, Mayo Clinic and Counsyl); PubMed 25965562 (cited by Mayo Clinic Laboratories, Mayo Clinic and Women's Health and Genetics/Laboratory Corporation of America, LabCorp); PubMed 1284530 (cited by Women's Health and Genetics/Laboratory Corporation of America, LabCorp); PubMed 16546179 (cited by Counsyl); NCBI Bookshelf NBK1130 (cited by GeneReviews).

NM_000487.6(ARSA):c.769G>C (p.Asp257His)

Gene: ARSA (arylsulfatase A; minus strand). Cytogenetic location: 22q13.33.
Variant type: single nucleotide variant.
Coding change: c.769G>C on transcript NM_000487.6 (MANE Select); coding-DNA position 769, G replaced by C.
Protein change: p.Asp257His; replaces aspartic acid 257 with histidine.
Molecular consequence: missense variant.
Genome position (GRCh38, 1-based): chr22:50,626,676, C>G on the plus strand (G>C on the coding strand, the complement: ARSA is on the minus strand). VCF-style: chr22-50626676-C-G. GRCh37 (hg19) VCF-style: chr22-51065104-C-G.
Other names: p.Asp257His; c.769G>C, p.Asp257His (NM_001085425.3, NM_001085426.3, NM_001085427.3); c.511G>C, p.Asp171His (NM_001085428.3, NM_001362782.2); short protein forms D257H, D171H.
Identifiers: ClinVar variation 21187 (VCV000021187.37), dbSNP rs80338819, ClinGen allele CA341708.